The following is an entry in ClinVar:

ClinVar aggregate classification (germline): Pathogenic (1 of 4 stars; one submission).

Submission:

Labcorp Genetics (formerly Invitae), Labcorp
Classification: Pathogenic. Last evaluated: 2022-04-22. Review status: criteria provided, single submitter. Criteria: Invitae Variant Classification Sherloc (09022015). Collection method: clinical testing. Allele origin: germline.
Comment: For these reasons, this variant has been classified as Pathogenic. This variant has not been reported in the literature in individuals affected with SETD5-related conditions. This variant is not present in population databases (gnomAD no frequency). This sequence change creates a premature translational stop signal (p.Gln645Metfs*20) in the SETD5 gene. It is expected to result in an absent or disrupted protein product. Loss-of-function variants in SETD5 are known to be pathogenic (PMID: 24680889).

Literature cited by the submitters: PubMed 24680889.

NM_001080517.3(SETD5):c.1910_1932dup (p.Gln645fs)

Gene: SETD5 (SET domain containing 5; plus strand). Cytogenetic location: 3p25.3.
Variant type: Duplication.
Coding change: c.1910_1932dup on transcript NM_001080517.3 (MANE Select); coding-DNA positions 1910 to 1932, 23 bases duplicated (ATGCACAGCAGGCAGAATTGTCA).
Protein change: p.Gln645fs; shifts the reading frame from glutamine 645.
Molecular consequence: frameshift variant.
Genome position (GRCh38, 1-based): chr3:9,447,813-9,447,835, ATGCACAGCAGGCAGAATTGTCA duplicated; duplicating any 23 consecutive bases within chr3:9,447,811-9,447,835 gives the same sequence; the c. name uses the placement nearest the transcript's 3' end. VCF-style (leftmost placement, unchanged base first): chr3-9447810-C-CCAATGCACAGCAGGCAGAATTGT. GRCh37 (hg19) VCF-style: chr3-9489494-C-CCAATGCACAGCAGGCAGAATTGT.
Other names: c.1616_1638dup, p.Gln547fs (NM_001292043.2, NM_001349451.2); short protein forms Q547fs, Q645fs.
Identifiers: ClinVar variation 2120724 (VCV002120724.4), dbSNP rs2472968407, ClinGen allele CA2580070672.